The following is an entry in ClinVar:

NM_000237.3(LPL):c.811del (p.Ser271fs)

Gene: LPL (lipoprotein lipase; plus strand). Cytogenetic location: 8p21.3.
Variant type: Deletion.
Coding change: c.811del on transcript NM_000237.3 (MANE Select); coding-DNA position 811, one base deleted (T; older notation c.811delT).
Protein change: p.Ser271fs; shifts the reading frame from serine 271.
Molecular consequence: frameshift variant.
Genome position (GRCh38, 1-based): chr8:19,955,876, T deleted. VCF-style (leftmost placement, unchanged base first): chr8-19955875-CT-C. GRCh37 (hg19) VCF-style: chr8-19813386-CT-C.
Other names: short protein forms S271fs.
Identifiers: ClinVar variation 1370928 (VCV001370928.6), dbSNP rs2128838491, ClinGen allele CA2573142630.

ClinVar aggregate classification (germline): Pathogenic (1 of 4 stars; one submission).

Submission:

Labcorp Genetics (formerly Invitae), Labcorp
Classification: Pathogenic. Last evaluated: 2025-10-18. Review status: criteria provided, single submitter. Criteria: Invitae Variant Classification Sherloc (09022015). Collection method: clinical testing. Allele origin: germline.
Comment: This sequence change creates a premature translational stop signal (p.Ser271Profs*10) in the LPL gene. It is expected to result in an absent or disrupted protein product. Loss-of-function variants in LPL are known to be pathogenic (PMID: 11334614). This variant is not present in population databases (gnomAD no frequency). This variant has not been reported in the literature in individuals affected with LPL-related conditions. ClinVar contains an entry for this variant (Variation ID: 1370928). For these reasons, this variant has been classified as Pathogenic.

Literature cited by the submitters: PubMed 11334614.